The following is an entry in ClinVar:

ClinVar aggregate classification (germline): Benign/Likely benign. Review status: criteria provided, multiple submitters, no conflicts (2 of 4 stars). 3 submissions from 3 submitters: Benign (1); Likely benign (2). Last evaluated 2025-12-09.

Conditions:
Hyperekplexia 1 (STHE). Also called: HYPEREKPLEXIA 1, AUTOSOMAL DOMINANT; HYPEREKPLEXIA 1, AUTOSOMAL RECESSIVE; EXAGGERATED STARTLE REACTION; STARTLE DISEASE, FAMILIAL; STIFF-BABY SYNDROME; STIFF-MAN SYNDROME, CONGENITAL. Identifiers: Orphanet 3197, MedGen C4551954, MONDO:0007868, OMIM 149400.
Hereditary hyperekplexia. Identifiers: Orphanet 3197, MedGen C4084968, MONDO:0021022.

Allele frequency attached by ClinVar (database versions not stated): gnomAD 0.00003 and 0.00007; gnomAD exomes 0.00006 and 0.00015; TOPMed 0.00009; ExAC 0.00012; 1000 Genomes Project 30x 0.00078; 1000 Genomes Project 0.00100.
gnomAD v4.1: 90 of 1,614,038 alleles (0.0056%); highest among the groups gnomAD compares: East Asian, 0.2%; no homozygotes.

Submissions (3):

Labcorp Genetics (formerly Invitae), Labcorp
Classification: Likely benign for Hereditary hyperekplexia. Last evaluated: 2025-12-09. Review status: criteria provided, single submitter. Criteria: Invitae Variant Classification Sherloc (09022015). Collection method: clinical testing. Allele origin: germline.

Blueprint Genetics
Classification: Likely benign. Last evaluated: 2024-08-02. Review status: criteria provided, single submitter. Criteria: ACMG Guidelines, 2015. Collection method: clinical testing. Allele origin: germline.

Illumina Laboratory Services, Illumina
Classification: Benign for Hyperekplexia 1. Last evaluated: 2018-01-13. Review status: criteria provided, single submitter. Criteria: ICSL Variant Classification Criteria 13 December 2019. Collection method: clinical testing. Allele origin: germline.
Comment: This variant was observed in the ICSL laboratory as part of a predisposition screen in an ostensibly healthy population. It had not been previously curated by ICSL or reported in the Human Gene Mutation Database (HGMD: prior to June 1st, 2018), and was therefore a candidate for classification through an automated scoring system. Utilizing variant allele frequency, disease prevalence and penetrance estimates, and inheritance mode, an automated score was calculated to assess if this variant is too frequent to cause the disease. Based on the score and internal cut-off values, a variant classified as benign is not then subjected to further curation. The score for this variant resulted in a classification of benign for this disease.

NM_000171.4(GLRA1):c.1032A>G (p.Arg344=)

Gene: GLRA1 (glycine receptor alpha 1; minus strand). Cytogenetic location: 5q33.1.
Variant type: single nucleotide variant.
Coding change: c.1032A>G on transcript NM_000171.4 (MANE Select); coding-DNA position 1032, A replaced by G.
Protein change: p.Arg344=; no amino-acid change (arginine 344 retained).
Molecular consequence: synonymous variant.
Genome position (GRCh38, 1-based): chr5:151,828,948, T>C on the plus strand (A>G on the coding strand, the complement: GLRA1 is on the minus strand). VCF-style: chr5-151828948-T-C. GRCh37 (hg19) VCF-style: chr5-151208509-T-C.
Other names: c.1032A>G, p.Arg344= (NM_001146040.2); c.783A>G, p.Arg261= (NM_001292000.2).
Identifiers: ClinVar variation 707211 (VCV000707211.15), dbSNP rs78363193, ClinGen allele CA3523552.